The following is an entry in ClinVar:

NM_001277115.2(DNAH11):c.13214G>A (p.Arg4405His)

Gene: DNAH11 (dynein axonemal heavy chain 11; plus strand). Cytogenetic location: 7p15.3.
Variant type: single nucleotide variant.
Coding change: c.13214G>A on transcript NM_001277115.2 (MANE Select); coding-DNA position 13214, G replaced by A.
Protein change: p.Arg4405His; replaces arginine 4405 with histidine.
Molecular consequence: missense variant.
Genome position (GRCh38, 1-based): chr7:21,900,031, G>A. VCF-style: chr7-21900031-G-A. GRCh37 (hg19) VCF-style: chr7-21939649-G-A.
Other names: c.13214G>A (NM_001277115.1); c.13235G>A, p.Arg4412His (NM_003777.3); short protein forms R4405H, R4412H.
Identifiers: ClinVar variation 2850543 (VCV002850543.5), dbSNP rs374415657, ClinGen allele CA4183373.

ClinVar aggregate classification (germline): Conflicting classifications of pathogenicity. Review status: criteria provided, conflicting classifications (1 of 4 stars). 4 submissions from 4 submitters: Uncertain significance (1); Benign (1); Likely benign (1). 1 of the submissions does not count toward it. Last evaluated 2025-11-03.

Conditions:
DNAH11-related disorder. Also called: DNAH11-related condition.
Primary ciliary dyskinesia. Also called: Ciliary dyskinesia. Identifiers: Orphanet 244, MedGen C0008780, MONDO:0016575, HP:0012265.

Allele frequency attached by ClinVar (database versions not stated): gnomAD 0.00003; ExAC 0.00006; TOPMed 0.00007; ESP Exome Variant Server 0.00008.
gnomAD v4.1: 38 of 1,613,790 alleles (0.0024%); highest among the groups gnomAD compares: East Asian, 0.029%; no homozygotes.

Submissions (4):

Ambry Genetics
Classification: Uncertain significance for Primary ciliary dyskinesia. Last evaluated: 2025-11-03. Review status: criteria provided, single submitter. Criteria: Ambry Variant Classification Scheme 2023. Collection method: clinical testing. Allele origin: germline.

Labcorp Genetics (formerly Invitae), Labcorp
Classification: Benign for Primary ciliary dyskinesia. Last evaluated: 2024-12-26. Review status: criteria provided, single submitter. Criteria: Invitae Variant Classification Sherloc (09022015). Collection method: clinical testing. Allele origin: germline.

Blueprint Genetics
Classification: Likely benign. Last evaluated: 2024-09-13. Review status: criteria provided, single submitter. Criteria: ACMG Guidelines, 2015. Collection method: clinical testing. Allele origin: germline.

PreventionGenetics, part of Exact Sciences
Classification: Uncertain significance for DNAH11-related condition. Last evaluated: 2024-09-16. Review status: no assertion criteria provided. Collection method: clinical testing. Allele origin: germline. Not counted in ClinVar's aggregate classification.
Comment: The DNAH11 c.13214G>A variant is predicted to result in the amino acid substitution p.Arg4405His. To our knowledge, this variant has not been reported in the literature. This variant is reported in 0.067% of alleles in individuals of East Asian descent in gnomAD. Although we suspect that this variant may be benign, at this time, the clinical significance of this variant is uncertain due to the absence of conclusive functional and genetic evidence.